The following is an entry in ClinVar:

ClinVar aggregate classification (germline): Uncertain significance (1 of 4 stars; one submission).

Conditions:
Peroxisome biogenesis disorder 2B (PBD2B). Identifiers: Orphanet 44, MedGen C3550234, MONDO:0008736, OMIM 202370.

Allele frequency attached by ClinVar (database versions not stated): gnomAD 0.00001; TOPMed 0.00001.
gnomAD v4.1: 7 of 1,613,966 alleles (0.00043%); highest among the groups gnomAD compares: Middle Eastern, 0.016%; no homozygotes.

Submission:

Labcorp Genetics (formerly Invitae), Labcorp
Classification: Uncertain significance for Peroxisome biogenesis disorder 2B. Last evaluated: 2022-10-17. Review status: criteria provided, single submitter. Criteria: Invitae Variant Classification Sherloc (09022015). Collection method: clinical testing. Allele origin: germline.
Comment: This sequence change replaces glycine, which is neutral and non-polar, with serine, which is neutral and polar, at codon 232 of the PEX5 protein (p.Gly232Ser). This variant is not present in population databases (gnomAD no frequency). This variant has not been reported in the literature in individuals affected with PEX5-related conditions. Advanced modeling of protein sequence and biophysical properties (such as structural, functional, and spatial information, amino acid conservation, physicochemical variation, residue mobility, and thermodynamic stability) performed at Invitae indicates that this missense variant is not expected to disrupt PEX5 protein function. Algorithms developed to predict the effect of sequence changes on RNA splicing suggest that this variant may disrupt the consensus splice site. In summary, the available evidence is currently insufficient to determine the role of this variant in disease. Therefore, it has been classified as a Variant of Uncertain Significance.

NM_001351132.2(PEX5):c.694G>A (p.Gly232Ser)

Gene: PEX5 (peroxisomal biogenesis factor 5; plus strand). Cytogenetic location: 12p13.31.
Variant type: single nucleotide variant.
Coding change: c.694G>A on transcript NM_001351132.2 (MANE Select); coding-DNA position 694, G replaced by A.
Protein change: p.Gly232Ser; replaces glycine 232 with serine.
Molecular consequence: missense variant. On other transcripts: intron variant (15).
Genome position (GRCh38, 1-based): chr12:7,202,292, G>A. VCF-style: chr12-7202292-G-A. GRCh37 (hg19) VCF-style: chr12-7354888-G-A.
Other names: c.694G>A, p.Gly232Ser (NM_000319.5, NM_001131025.2, NM_001131026.2 and 6 more transcripts); c.739G>A, p.Gly247Ser (NM_001131023.2); c.643-320G>A (NM_001351124.3, NM_001351126.2, NM_001374646.1 and 10 more transcripts); c.688-320G>A (NM_001351135.3, NM_001351138.2); short protein forms G232S, G247S.
Identifiers: ClinVar variation 1901696 (VCV001901696.2), dbSNP rs1393135727, ClinGen allele CA383722712.
Genomic context (GRCh38, chr12:7,202,292, plus strand): 5'-GTGCCCCAGTTCCTGAAATTCGTGCGGCAGATTGGCGAAGGGCAGGTGTCCCTGGAGTCC[G>A]GTGCAGGGTCGGGCCGAGCTCAGGCAGAACAGTGGGCAGCAGAGTTTATACAGCAGCAGG-3'
Protein context (NP_001338061.1, residues 222-242): IGEGQVSLES[Gly232Ser]AGSGRAQAEQ